The following is an entry in ClinVar:

NM_001360016.2(G6PD):c.486-10C>T

Gene: G6PD (glucose-6-phosphate dehydrogenase; minus strand). Cytogenetic location: Xq28.
Variant type: single nucleotide variant.
Coding change: c.486-10C>T on transcript NM_001360016.2 (MANE Select); 10 bases into the intron before coding-DNA position 486, C replaced by T.
Molecular consequence: intron variant.
Genome position (GRCh38, 1-based): chrX:154,534,506, G>A on the plus strand (C>T on the coding strand, the complement: G6PD is on the minus strand). VCF-style: chrX-154534506-G-A. GRCh37 (hg19) VCF-style: chrX-153762721-G-A.
Other names: c.576-10C>T (NM_000402.4); c.486-10C>T (NM_001042351.3).
Identifiers: ClinVar variation 3018933 (VCV003018933.3), dbSNP rs2523268537, ClinGen allele CA2695147055.

ClinVar aggregate classification (germline): Uncertain significance (1 of 4 stars; one submission).

Conditions:
Anemia, nonspherocytic hemolytic, due to G6PD deficiency (CNSHA1). Also called: Hemolytic anemia due to G6PD deficiency; Class I glucose-6-phosphate dehydrogenase deficiency; Favism, susceptibility to; ANEMIA, CONGENITAL, NONSPHEROCYTIC HEMOLYTIC, 1. Identifiers: Orphanet 466026, MedGen C2720289, MONDO:0010480, OMIM 300908.

Allele frequency attached by ClinVar (database versions not stated): gnomAD exomes 0.00001.
gnomAD v4.1: 6 of 1,210,035 alleles (0.0005%); highest among the groups gnomAD compares: Non-Finnish European, 0.00067%; no homozygotes.

Submission:

Labcorp Genetics (formerly Invitae), Labcorp
Classification: Uncertain significance for Anemia, nonspherocytic hemolytic, due to G6PD deficiency. Last evaluated: 2023-09-08. Review status: criteria provided, single submitter. Criteria: Invitae Variant Classification Sherloc (09022015). Collection method: clinical testing. Allele origin: germline.
Comment: In summary, the available evidence is currently insufficient to determine the role of this variant in disease. Therefore, it has been classified as a Variant of Uncertain Significance. Algorithms developed to predict the effect of sequence changes on RNA splicing suggest that this variant may disrupt the consensus splice site. This variant has not been reported in the literature in individuals affected with G6PD-related conditions. This variant is not present in population databases (gnomAD no frequency). This sequence change falls in intron 5 of the G6PD gene. It does not directly change the encoded amino acid sequence of the G6PD protein.